The following is an entry in ClinVar:

ClinVar aggregate classification (germline): Uncertain significance (1 of 4 stars; one submission).

Allele frequency attached by ClinVar (database versions not stated): gnomAD exomes below 0.00001; gnomAD 0.00002.

Submission:

Labcorp Genetics (formerly Invitae), Labcorp
Classification: Uncertain significance. Last evaluated: 2022-06-17. Review status: criteria provided, single submitter. Criteria: Invitae Variant Classification Sherloc (09022015). Collection method: clinical testing. Allele origin: germline.
Comment: This sequence change replaces isoleucine, which is neutral and non-polar, with methionine, which is neutral and non-polar, at codon 747 of the REST protein (p.Ile747Met). This variant is not present in population databases (gnomAD no frequency). This variant has not been reported in the literature in individuals affected with REST-related conditions. Algorithms developed to predict the effect of missense changes on protein structure and function output the following: SIFT: "Tolerated"; PolyPhen-2: "Benign"; Align-GVGD: "Class C0". The methionine amino acid residue is found in multiple mammalian species, which suggests that this missense change does not adversely affect protein function. In summary, the available evidence is currently insufficient to determine the role of this variant in disease. Therefore, it has been classified as a Variant of Uncertain Significance.

NM_005612.5(REST):c.2241A>G (p.Ile747Met)

Gene: REST (RE1 silencing transcription factor; plus strand). Cytogenetic location: 4q12.
Variant type: single nucleotide variant.
Coding change: c.2241A>G on transcript NM_005612.5 (MANE Select); coding-DNA position 2241, A replaced by G.
Protein change: p.Ile747Met; replaces isoleucine 747 with methionine.
Molecular consequence: missense variant.
Genome position (GRCh38, 1-based): chr4:56,931,099, A>G. VCF-style: chr4-56931099-A-G. GRCh37 (hg19) VCF-style: chr4-57797265-A-G.
Other names: c.2241A>G, p.Ile747Met (NM_001193508.2, NM_001363453.3); short protein forms I747M.
Identifiers: ClinVar variation 2169694 (VCV002169694.1), dbSNP rs144031960, ClinGen allele CA97636925.